The following is an entry in ClinVar:

ClinVar aggregate classification (germline): Pathogenic (1 of 4 stars; one submission).

Conditions:
Pigmentary pallidal degeneration (NBIA1). Also called: PKAN NEUROAXONAL DYSTROPHY, JUVENILE-ONSET; HARP SYNDROME; Pantothenate Kinase-Associated Neurodegeneration; Neuroaxonal dystrophy, late infantile; Hallervorden-Spatz disease; Neurodegeneration with brain iron accumulation 1. Identifiers: Orphanet 157850, MedGen C0018523, MONDO:0009319, OMIM 234200.

Submission:

Labcorp Genetics (formerly Invitae), Labcorp
Classification: Pathogenic for Pigmentary pallidal degeneration. Last evaluated: 2026-01-11. Review status: criteria provided, single submitter. Criteria: Invitae Variant Classification Sherloc (09022015). Collection method: clinical testing. Allele origin: germline.
Comment: This sequence change affects an acceptor splice site in intron 2 of the PANK2 gene. It is expected to disrupt RNA splicing. Variants that disrupt the donor or acceptor splice site typically lead to a loss of protein function (PMID: 16199547), and loss-of-function variants in PANK2 are known to be pathogenic (PMID: 11479594, 12510040). This variant is not present in population databases (gnomAD no frequency). Disruption of this splice site has been observed in individuals with clinical features of pantothenate kinase-associated neurodegeneration (PKAN) (PMID: 22221393, 27815806, 31088771). This variant is also known as IVS2-1G>C. ClinVar contains an entry for this variant (Variation ID: 1458749). Algorithms developed to predict the effect of sequence changes on RNA splicing suggest that this variant may disrupt the consensus splice site. For these reasons, this variant has been classified as Pathogenic.

Literature cited by the submitters: PubMed 16199547; PubMed 11479594; PubMed 12510040; PubMed 22221393; PubMed 27815806; PubMed 31088771.

NM_001386393.1(PANK2):c.652-1G>C

Gene: PANK2 (pantothenate kinase 2; plus strand). Cytogenetic location: 20p13.
Variant type: single nucleotide variant.
Coding change: c.652-1G>C on transcript NM_001386393.1 (MANE Select); the canonical splice acceptor site of the intron before coding-DNA position 652, G replaced by C.
Molecular consequence: splice acceptor variant.
Genome position (GRCh38, 1-based): chr20:3,910,576, G>C. VCF-style: chr20-3910576-G-C. GRCh37 (hg19) VCF-style: chr20-3891223-G-C.
Other names: c.109-1G>C (NM_024960.6, NM_001324191.2, NM_153640.4); c.982-1G>C (NM_153638.4); c.-327-1G>C (NM_001324193.2).
Identifiers: ClinVar variation 1458749 (VCV001458749.9), dbSNP rs2146866687, ClinGen allele CA408114325.